The following is an entry in ClinVar:

ClinVar aggregate classification (germline): Uncertain significance (1 of 4 stars; one submission).

Conditions:
Cardiovascular phenotype. Identifiers: MedGen CN230736.

Submission:

Ambry Genetics
Classification: Uncertain significance for Cardiovascular phenotype. Last evaluated: 2023-08-08. Review status: criteria provided, single submitter. Criteria: Ambry Variant Classification Scheme 2023. Collection method: clinical testing. Allele origin: germline.
Comment: The p.Y158* variant (also known as c.474T>G), located in coding exon 4 of the SCN10A gene, results from a T to G substitution at nucleotide position 474. This changes the amino acid from a tyrosine to a stop codon within coding exon 4. This alteration is expected to result in protein truncation or nonsense-mediated mRNA decay. However, loss of function of SCN10A has not been established as a mechanism of disease. The evidence for this gene-disease relationship is limited; therefore, the clinical significance of this alteration is unclear.

NM_006514.4(SCN10A):c.474T>G (p.Tyr158Ter)

Gene: SCN10A (sodium voltage-gated channel alpha subunit 10; minus strand). Cytogenetic location: 3p22.2.
Variant type: single nucleotide variant.
Coding change: c.474T>G on transcript NM_006514.4 (MANE Select); coding-DNA position 474, T replaced by G.
Protein change: p.Tyr158Ter; replaces tyrosine 158 with a stop codon.
Molecular consequence: nonsense.
Genome position (GRCh38, 1-based): chr3:38,771,404, A>C on the plus strand (T>G on the coding strand, the complement: SCN10A is on the minus strand). VCF-style: chr3-38771404-A-C. GRCh37 (hg19) VCF-style: chr3-38812895-A-C.
Other names: c.474T>G, p.Tyr158Ter (NM_001293306.2, NM_001293307.2); short protein forms Y158*.
Identifiers: ClinVar variation 2625768 (VCV002625768.2), dbSNP rs2470838313, ClinGen allele CA352156552.
Genomic context (GRCh38, chr3:38,771,404, plus strand): 5'-ACAAAATCCTCTTGCCAGTATCTTTATCAAGGCTTCAAAGGTGTAAATGACAGTGAAGAC[A>C]TATCTGGGAAGGAGGGTAGAAAAGGAGTGTCAACTGTGCCATGGAGTGTACTCAGGGGGT-3'